The following is an entry in ClinVar:

NM_020066.5(FMN2):c.629A>G (p.Gln210Arg)

Gene: FMN2 (formin 2; plus strand). Cytogenetic location: 1q43.
Variant type: single nucleotide variant.
Coding change: c.629A>G on transcript NM_020066.5 (MANE Select); coding-DNA position 629, A replaced by G.
Protein change: p.Gln210Arg; replaces glutamine 210 with arginine.
Molecular consequence: missense variant.
Genome position (GRCh38, 1-based): chr1:240,092,738, A>G. VCF-style: chr1-240092738-A-G. GRCh37 (hg19) VCF-style: chr1-240256038-A-G.
Other names: c.629A>G, p.Gln210Arg (NM_001305424.2, NM_001348094.2); short protein forms Q210R.
Identifiers: ClinVar variation 1033929 (VCV001033929.4), dbSNP rs1458799973, ClinGen allele CA345429972.

ClinVar aggregate classification (germline): Uncertain significance. Review status: criteria provided, multiple submitters, no conflicts (2 of 4 stars). 2 submissions from 2 submitters: Uncertain significance (2). Last evaluated 2021-07-20.

Conditions:
Intellectual developmental disorder, autosomal recessive 47. Also called: Intellectual disability, autosomal recessive 47. Identifiers: Orphanet 88616, MedGen C4015444, MONDO:0014524, OMIM 616193.
Inborn genetic diseases. Identifiers: MedGen C0950123, MeSH D030342.

Allele frequency attached by ClinVar (database versions not stated): gnomAD 0.00001; TOPMed 0.00003.
gnomAD v4.1: 71 of 1,613,042 alleles (0.0044%); highest among the groups gnomAD compares: Non-Finnish European, 0.0059%; no homozygotes.

Submissions (2):

Ambry Genetics
Classification: Uncertain significance for Inborn genetic diseases. Last evaluated: 2021-07-20. Review status: criteria provided, single submitter. Criteria: Ambry Variant Classification Scheme 2023. Collection method: clinical testing. Allele origin: germline.

Baylor Genetics
Classification: Uncertain significance for Intellectual developmental disorder, autosomal recessive 47. Last evaluated: 2018-07-31. Review status: criteria provided, single submitter. Criteria: ACMG Guidelines, 2015. Collection method: clinical testing. Allele origin: maternal. Affected: yes.
Comment: This variant was determined to be of uncertain significance according to ACMG Guidelines, 2015 [PMID:25741868].